The following is an entry in ClinVar:

ClinVar aggregate classification (germline): Uncertain significance (1 of 4 stars; one submission).

Conditions:
Peroxisome biogenesis disorder 11A (Zellweger). Also called: Peroxisome biogenesis disorder 11A. Identifiers: Orphanet 912, MedGen C3554000, MONDO:0013949, OMIM 614883.

Allele frequency attached by ClinVar (database versions not stated): gnomAD exomes below 0.00001.
gnomAD v4.1: 3 of 1,613,190 alleles (0.00019%); highest among the groups gnomAD compares: South Asian, 0.0011%; no homozygotes.

Submission:

Labcorp Genetics (formerly Invitae), Labcorp
Classification: Uncertain significance for Peroxisome biogenesis disorder 11A (Zellweger). Last evaluated: 2021-12-29. Review status: criteria provided, single submitter. Criteria: Invitae Variant Classification Sherloc (09022015). Collection method: clinical testing. Allele origin: germline.
Comment: This variant has not been reported in the literature in individuals affected with PEX13-related conditions. In summary, the available evidence is currently insufficient to determine the role of this variant in disease. Therefore, it has been classified as a Variant of Uncertain Significance. Algorithms developed to predict the effect of missense changes on protein structure and function are either unavailable or do not agree on the potential impact of this missense change (SIFT: "Deleterious"; PolyPhen-2: "Probably Damaging"; Align-GVGD: "Class C15"). ClinVar contains an entry for this variant (Variation ID: 856898). This variant is not present in population databases (gnomAD no frequency). This sequence change replaces aspartic acid, which is acidic and polar, with glycine, which is neutral and non-polar, at codon 282 of the PEX13 protein (p.Asp282Gly).

NM_002618.4(PEX13):c.845A>G (p.Asp282Gly)

Gene: PEX13 (peroxisomal biogenesis factor 13; plus strand). Cytogenetic location: 2p15.
Variant type: single nucleotide variant.
Coding change: c.845A>G on transcript NM_002618.4 (MANE Select); coding-DNA position 845, A replaced by G.
Protein change: p.Asp282Gly; replaces aspartic acid 282 with glycine.
Molecular consequence: missense variant.
Genome position (GRCh38, 1-based): chr2:61,045,783, A>G. VCF-style: chr2-61045783-A-G. GRCh37 (hg19) VCF-style: chr2-61272918-A-G.
Other names: short protein forms D282G.
Identifiers: ClinVar variation 856898 (VCV000856898.11), dbSNP rs1573560642, ClinGen allele CA346948515.